The following is an entry in ClinVar:

NM_001242957.3(MAK):c.1084_1085del (p.Gln362fs)

Gene: MAK (male germ cell associated kinase; minus strand). Cytogenetic location: 6p24.2.
Variant type: Deletion.
Coding change: c.1084_1085del on transcript NM_001242957.3 (MANE Select); coding-DNA positions 1084 to 1085, 2 bases deleted (CA; older notation c.1084_1085delCA).
Protein change: p.Gln362fs; shifts the reading frame from glutamine 362.
Molecular consequence: frameshift variant. On other transcripts: non-coding transcript variant (2).
Genome position (GRCh38, 1-based): chr6:10,796,056-10,796,057, TG deleted on the plus strand (CA on the coding strand, the reverse complement: MAK is on the minus strand); deleting any 2 consecutive bases within chr6:10,796,056-10,796,058 gives the same sequence; the c. name uses the placement nearest the transcript's 3' end. VCF-style (leftmost placement, unchanged base first): chr6-10796055-CTG-C. GRCh37 (hg19) VCF-style: chr6-10796288-CTG-C.
Other names: c.1084_1085del, p.Gln362fs (NM_001242385.2, NM_005906.6); c.982_983del, p.Gln328fs (NM_001377262.1); short protein forms Q328fs, Q362fs.
Identifiers: ClinVar variation 1440850 (VCV001440850.8), dbSNP rs755434575, ClinGen allele CA3633561.

ClinVar aggregate classification (germline): Pathogenic/Likely pathogenic. Review status: criteria provided, multiple submitters, no conflicts (2 of 4 stars). 2 submissions from 2 submitters: Pathogenic (1); Likely pathogenic (1). Last evaluated 2024-01-09.

Conditions:
MAK-related disorders.

Submissions (2):

Labcorp Genetics (formerly Invitae), Labcorp
Classification: Pathogenic. Last evaluated: 2024-01-09. Review status: criteria provided, single submitter. Criteria: Invitae Variant Classification Sherloc (09022015). Collection method: clinical testing. Allele origin: germline.
Comment: This sequence change creates a premature translational stop signal (p.Gln362Glufs*20) in the MAK gene. It is expected to result in an absent or disrupted protein product. Loss-of-function variants in MAK are known to be pathogenic (PMID: 21148103, 21825139, 24938718, 29781741). This variant is present in population databases (rs755434575, gnomAD 0.0009%). This variant has not been reported in the literature in individuals affected with MAK-related conditions. ClinVar contains an entry for this variant (Variation ID: 1440850). For these reasons, this variant has been classified as Pathogenic.

Blueprint Genetics
Classification: Likely pathogenic for MAK-related disorders. Last evaluated: 2021-10-15. Review status: criteria provided, single submitter. Criteria: ACMG Guidelines, 2015. Collection method: clinical testing. Allele origin: germline. Affected: yes. Observed: 1 variant allele.

Literature cited by the submitters: PubMed 21148103 (cited by Labcorp Genetics (formerly Invitae), Labcorp); PubMed 21825139 (cited by Labcorp Genetics (formerly Invitae), Labcorp); PubMed 24938718 (cited by Labcorp Genetics (formerly Invitae), Labcorp); PubMed 29781741 (cited by Labcorp Genetics (formerly Invitae), Labcorp).